The following is an entry in ClinVar:

NM_053025.4(MYLK):c.2501G>A (p.Gly834Glu)

Gene: MYLK (myosin light chain kinase; minus strand). Cytogenetic location: 3q21.1.
Variant type: single nucleotide variant.
Coding change: c.2501G>A on transcript NM_053025.4 (MANE Select); coding-DNA position 2501, G replaced by A.
Protein change: p.Gly834Glu; replaces glycine 834 with glutamic acid.
Molecular consequence: missense variant.
Genome position (GRCh38, 1-based): chr3:123,700,967, C>T on the plus strand (G>A on the coding strand, the complement: MYLK is on the minus strand). VCF-style: chr3-123700967-C-T. GRCh37 (hg19) VCF-style: chr3-123419814-C-T.
Other names: c.1973G>A, p.Gly658Glu (NM_001321309.2); c.2294G>A, p.Gly765Glu (NM_053026.4, NM_053028.4); c.2501G>A, p.Gly834Glu (NM_053027.4); c.2501G>A (NM_053025.3); short protein forms G658E, G765E, G834E.
Identifiers: ClinVar variation 1010264 (VCV001010264.9), dbSNP rs2061181685, ClinGen allele CA354232525.

ClinVar aggregate classification (germline): Uncertain significance. Review status: criteria provided, multiple submitters, no conflicts (2 of 4 stars). 2 submissions from 2 submitters: Uncertain significance (2). Last evaluated 2025-06-22.

Conditions:
Familial thoracic aortic aneurysm and aortic dissection (TAAD). Also called: Thoracic aortic aneurysms and dissections. Identifiers: Orphanet 91387, MedGen C4707243, MONDO:0019625.
Aortic aneurysm, familial thoracic 7 (AAT7). Also called: AORTIC DISSECTION, FAMILIAL, WITH OR WITHOUT AORTIC ANEURYSM. Identifiers: MedGen C3151077, MONDO:0013418, OMIM 613780.

Submissions (2):

Ambry Genetics
Classification: Uncertain significance for Familial thoracic aortic aneurysm and aortic dissection. Last evaluated: 2025-06-22. Review status: criteria provided, single submitter. Criteria: Ambry Variant Classification Scheme 2023. Collection method: clinical testing. Allele origin: germline.
Comment: The p.G834E variant (also known as c.2501G>A), located in coding exon 15 of the MYLK gene, results from a G to A substitution at nucleotide position 2501. The glycine at codon 834 is replaced by glutamic acid, an amino acid with similar properties. This amino acid position is conserved. In addition, this alteration is predicted to be tolerated by in silico analysis. Based on the available evidence, the clinical significance of this variant remains unclear.

Labcorp Genetics (formerly Invitae), Labcorp
Classification: Uncertain significance for Aortic aneurysm, familial thoracic 7. Last evaluated: 2022-07-19. Review status: criteria provided, single submitter. Criteria: Invitae Variant Classification Sherloc (09022015). Collection method: clinical testing. Allele origin: germline.
Comment: This variant has not been reported in the literature in individuals affected with MYLK-related conditions. This variant is not present in population databases (gnomAD no frequency). This sequence change replaces glycine, which is neutral and non-polar, with glutamic acid, which is acidic and polar, at codon 834 of the MYLK protein (p.Gly834Glu). ClinVar contains an entry for this variant (Variation ID: 1010264). In summary, the available evidence is currently insufficient to determine the role of this variant in disease. Therefore, it has been classified as a Variant of Uncertain Significance. Advanced modeling of protein sequence and biophysical properties (such as structural, functional, and spatial information, amino acid conservation, physicochemical variation, residue mobility, and thermodynamic stability) performed at Invitae indicates that this missense variant is not expected to disrupt MYLK protein function.